The following is an entry in ClinVar:

ClinVar aggregate classification (germline): Likely benign (0 of 4 stars; one submission).

Conditions:
GIGYF2-related disorder. Also called: GIGYF2-related condition.

Allele frequency attached by ClinVar (database versions not stated): gnomAD 0.00005; TOPMed 0.00005; ExAC 0.00007; ESP Exome Variant Server 0.00008; gnomAD exomes 0.00008.
gnomAD v4.1: 114 of 1,608,684 alleles (0.0071%); highest among the groups gnomAD compares: Non-Finnish European, 0.0091%; no homozygotes.

Submission:

PreventionGenetics, part of Exact Sciences
Classification: Likely benign for GIGYF2-related condition. Last evaluated: 2019-05-01. Review status: no assertion criteria provided. Collection method: clinical testing. Allele origin: germline.
Comment: This variant is classified as likely benign based on ACMG/AMP sequence variant interpretation guidelines (Richards et al. 2015 PMID: 25741868, with internal and published modifications).

NM_001103146.3(GIGYF2):c.2151G>A (p.Thr717=)

Gene: GIGYF2 (GRB10 interacting GYF protein 2; plus strand). Cytogenetic location: 2q37.1.
Variant type: single nucleotide variant.
Coding change: c.2151G>A on transcript NM_001103146.3 (MANE Select); coding-DNA position 2151, G replaced by A.
Protein change: p.Thr717=; no amino-acid change (threonine 717 retained).
Molecular consequence: synonymous variant. On other transcripts: non-coding transcript variant (1).
Genome position (GRCh38, 1-based): chr2:232,815,680, G>A. VCF-style: chr2-232815680-G-A. GRCh37 (hg19) VCF-style: chr2-233680390-G-A.
Other names: c.2214G>A, p.Thr738= (NM_001103147.2); c.2133G>A, p.Thr711= (NM_001103148.2); c.2151G>A, p.Thr717= (NM_015575.4).
Identifiers: ClinVar variation 3037673 (VCV003037673.2), dbSNP rs140105076, ClinGen allele CA2170545.